The following is an entry in ClinVar:

ClinVar aggregate classification (germline): Likely pathogenic. Review status: criteria provided, multiple submitters, no conflicts (2 of 4 stars). 3 submissions from 3 submitters: Likely pathogenic (3). Last evaluated 2025-12-17.

Conditions:
Polycystic kidney disease 4 (PKD4). Also called: POLYCYSTIC KIDNEY AND HEPATIC DISEASE 1; POLYCYSTIC KIDNEY DISEASE, INFANTILE, TYPE I; PKD3; POLYCYSTIC KIDNEY DISEASE 4 WITH OR WITHOUT POLYCYSTIC LIVER DISEASE; Autosomal Recessive Polycystic Kidney Disease – PKHD1. Identifiers: MedGen C4540575, MONDO:0033004, OMIM 263200.
Autosomal recessive polycystic kidney disease (ARPKD). Also called: AR polycystic kidney disease. Identifiers: Orphanet 731, Orphanet 8378, MedGen C0085548, MeSH D017044, MONDO:0009889.

Allele frequency attached by ClinVar (database versions not stated): gnomAD exomes below 0.00001; TOPMed 0.00001.
gnomAD v4.1: 1 of 1,603,762 alleles (0.000062%); highest among the groups gnomAD compares: Admixed American, 0.0017%; no homozygotes.

Submissions (3):

Natera, Inc.
Classification: Likely pathogenic for Autosomal recessive polycystic kidney disease. Last evaluated: 2025-12-17. Review status: criteria provided, single submitter. Criteria: Natera Variant Classification Schema (03/2026). Collection method: clinical testing. Allele origin: germline.
Comment: The c.1199T>C variant in PKHD1 is a missense variant predicted to cause substitution of leucine to serine at amino acid 400. This variant is rare in the general population with a frequency below the threshold expected for the associated phenotype(s). This variant has been observed in one or more individuals affected with the associated recessive disease, as either homozygous or compound heterozygous with a second variant (PMID: 30650191, 33940108, 39888183). Computational prediction algorithms indicate this variant is likely to affect gene or protein function. Given the available evidence, this variant is classified as Likely Pathogenic.

Labcorp Genetics (formerly Invitae), Labcorp
Classification: Likely pathogenic for Autosomal recessive polycystic kidney disease. Last evaluated: 2024-11-16. Review status: criteria provided, single submitter. Criteria: Invitae Variant Classification Sherloc (09022015). Collection method: clinical testing. Allele origin: germline.
Comment: This sequence change replaces leucine, which is neutral and non-polar, with serine, which is neutral and polar, at codon 400 of the PKHD1 protein (p.Leu400Ser). This variant is not present in population databases (gnomAD no frequency). This missense change has been observed in individual(s) with polycystic kidney disease (PMID: 18769842). In at least one individual the data is consistent with being in trans (on the opposite chromosome) from a pathogenic variant. ClinVar contains an entry for this variant (Variation ID: 2677825). Invitae Evidence Modeling of protein sequence and biophysical properties (such as structural, functional, and spatial information, amino acid conservation, physicochemical variation, residue mobility, and thermodynamic stability) indicates that this missense variant is expected to disrupt PKHD1 protein function with a positive predictive value of 95%. In summary, the currently available evidence indicates that the variant is pathogenic, but additional data are needed to prove that conclusively. Therefore, this variant has been classified as Likely Pathogenic.

Baylor Genetics
Classification: Likely pathogenic for Polycystic kidney disease 4. Last evaluated: 2023-03-29. Review status: criteria provided, single submitter. Criteria: ACMG Guidelines, 2015. Collection method: clinical testing. Allele origin: unknown.

Literature cited by the submitters: PubMed 30650191 (cited by Natera, Inc.); PubMed 33940108 (cited by Natera, Inc.); PubMed 39888183 (cited by Natera, Inc.); PubMed 18769842 (cited by Labcorp Genetics (formerly Invitae), Labcorp).

NM_138694.4(PKHD1):c.1199T>C (p.Leu400Ser)

Gene: PKHD1 (PKHD1 ciliary IPT domain containing fibrocystin/polyductin; minus strand). Cytogenetic location: 6p12.2.
Variant type: single nucleotide variant.
Coding change: c.1199T>C on transcript NM_138694.4 (MANE Select); coding-DNA position 1199, T replaced by C.
Protein change: p.Leu400Ser; replaces leucine 400 with serine.
Molecular consequence: missense variant.
Genome position (GRCh38, 1-based): chr6:52,059,962, A>G on the plus strand (T>C on the coding strand, the complement: PKHD1 is on the minus strand). VCF-style: chr6-52059962-A-G. GRCh37 (hg19) VCF-style: chr6-51924760-A-G.
Other names: c.1199T>C, p.Leu400Ser (NM_170724.3); c.1199T>C (NM_138694.3); short protein forms L400S.
Identifiers: ClinVar variation 2677825 (VCV002677825.5), dbSNP rs1808425655, ClinGen allele CA364427446.